The following is an entry in ClinVar:

NM_001378974.1(FBXW11):c.1211G>A (p.Arg404Lys)

Gene: FBXW11 (F-box and WD repeat domain containing 11; minus strand). Cytogenetic location: 5q35.1.
Variant type: single nucleotide variant.
Coding change: c.1211G>A on transcript NM_001378974.1 (MANE Select); coding-DNA position 1211, G replaced by A.
Protein change: p.Arg404Lys; replaces arginine 404 with lysine.
Molecular consequence: missense variant.
Genome position (GRCh38, 1-based): chr5:171,876,295, C>T on the plus strand (G>A on the coding strand, the complement: FBXW11 is on the minus strand). VCF-style: chr5-171876295-C-T. GRCh37 (hg19) VCF-style: chr5-171303299-C-T.
Other names: c.1142G>A, p.Arg381Lys (NM_001378975.1); c.1115G>A, p.Arg372Lys (NM_001378976.1); c.1052G>A, p.Arg351Lys (NM_001378977.1, NM_001378978.1, NM_001378979.1); c.1046G>A, p.Arg349Lys (NM_001378980.1, NM_033645.3); c.1148G>A, p.Arg383Lys (NM_012300.3); c.1109G>A, p.Arg370Lys (NM_033644.3); short protein forms R349K, R351K, R370K, R372K, R381K, R383K, R404K.
Identifiers: ClinVar variation 3776497 (VCV003776497.1).
Genomic context (GRCh38, chr5:171,876,295, plus strand): 5'-GTTCTAAAAGGGACAGGAACAGGTAGGGTTATGACTGCAGACATACTTACTTTGATGGTC[C>T]TGTCACCAGAGGCAGACACGATGTACTTGTCGTCAAAGTCTACTACATTGACGGCAGCCC-3'
Protein context (NP_001365903.1, residues 394-414): DKYIVSASGD[Arg404Lys]TIKVWSTSTC

ClinVar aggregate classification (germline): Uncertain significance (1 of 4 stars; one submission).

Submission:

GeneDx
Classification: Uncertain significance. Last evaluated: 2024-10-02. Review status: criteria provided, single submitter. Criteria: GeneDx Variant Classification Process June 2021. Collection method: clinical testing. Allele origin: germline. Affected: yes.
Comment: Not observed at significant frequency in large population cohorts (gnomAD); In silico analysis supports that this missense variant has a deleterious effect on protein structure/function; Has not been previously published as pathogenic or benign to our knowledge